The following is an entry in ClinVar:

ClinVar aggregate classification (germline): Uncertain significance (1 of 4 stars; one submission).

Conditions:
LAMA5-related disorder. Also called: LAMA5-related condition; LAMA5-Related Disorders.

gnomAD v4.1: 10 of 1,599,228 alleles (0.00063%); highest among the groups gnomAD compares: Non-Finnish European, 0.00085%; no homozygotes.

Submission:

PreventionGenetics, part of Exact Sciences
Classification: Uncertain significance for LAMA5-related condition. Last evaluated: 2023-02-17. Review status: criteria provided, single submitter. Criteria: ACMG Guidelines, 2015. Collection method: clinical testing. Allele origin: germline.
Comment: The LAMA5 c.592C>A variant is not predicted to result in an amino acid change (p.=). This variant is predicted to create a cryptic splice donor site within exon 4 (Alamut Visual Plus v1.6.1), although it should be noted that in silico prediction tools are imperfect and not equivalent to functional evidence. To our knowledge, this variant has not been reported in the literature. This variant is reported in 0.00089% of alleles in individuals of European (Non-Finnish) descent in gnomAD. At this time, the clinical significance of this variant is uncertain due to the absence of conclusive functional and genetic evidence.

NM_005560.6(LAMA5):c.592C>A (p.Arg198=)

Gene: LAMA5 (laminin subunit alpha 5; minus strand). Cytogenetic location: 20q13.33.
Variant type: single nucleotide variant.
Coding change: c.592C>A on transcript NM_005560.6 (MANE Select); coding-DNA position 592, C replaced by A.
Protein change: p.Arg198=; no amino-acid change (arginine 198 retained).
Molecular consequence: synonymous variant.
Genome position (GRCh38, 1-based): chr20:62,352,337, G>T on the plus strand (C>A on the coding strand, the complement: LAMA5 is on the minus strand). VCF-style: chr20-62352337-G-T. GRCh37 (hg19) VCF-style: chr20-60927393-G-T.
Identifiers: ClinVar variation 2636549 (VCV002636549.1), dbSNP rs765464944, ClinGen allele CA511328370.
Genomic context (GRCh38, chr20:62,352,337, plus strand): 5'-CGGTGGTGCAGATGGCCGCGTCGTCCCGTGTGATGCGCTCCAGCGTCTGTGGCCCGAACC[G>T]CTCCAGACAGTCCCTCTTGGAGGCTGCGGGGAATGGCGGGAGGGGAGGGCGCTGGATCAC-3'
Protein context (NP_005551.3, residues 188-208): FASSKRDCLE[Arg198=]FGPQTLERIT